The following is an entry in ClinVar:

ClinVar aggregate classification (germline): Conflicting classifications of pathogenicity. Review status: criteria provided, conflicting classifications (1 of 4 stars). 7 submissions from 7 submitters: Likely pathogenic (1); Uncertain significance (6). Last evaluated 2026-06-17.

Conditions:
Pheochromocytoma/paraganglioma syndrome 2. Also called: SDHAF2-Related Hereditary Paraganglioma-Pheochromocytoma Syndrome (Paragangliomas 2); GLOMUS TUMORS, FAMILIAL, 2; Paragangliomas 2; SDHAF2-Related Hereditary Paraganglioma-Pheochromocytoma Syndrome. Identifiers: Orphanet 29072, MedGen C1866552, MONDO:0011121, OMIM 601650.
Hereditary cancer-predisposing syndrome. Also called: Neoplastic Syndromes, Hereditary; Hereditary neoplastic syndrome; Hereditary Cancer Syndrome; Tumor predisposition. Identifiers: Orphanet 140162, MedGen C0027672, MeSH D009386, MONDO:0015356.
Hereditary pheochromocytoma and paraganglioma. Also called: Hereditary pheochromocytoma-paraganglioma; Hereditary paragangliomas and pheochromocytomas; Hereditary Paraganglioma-Pheochromocytoma Syndromes. Identifiers: Orphanet 29072, MedGen C4274332, MONDO:0017366.

Allele frequency attached by ClinVar (database versions not stated): gnomAD 0.00001; gnomAD exomes 0.00001; TOPMed 0.00002.
gnomAD v4.1: 19 of 1,611,944 alleles (0.0012%); highest among the groups gnomAD compares: Admixed American, 0.0017%; no homozygotes.

Submissions (7):

Ambry Genetics
Classification: Uncertain significance for Hereditary cancer-predisposing syndrome. Last evaluated: 2026-06-17. Review status: criteria provided, single submitter. Criteria: Ambry Variant Classification Scheme 2023. Collection method: clinical testing. Allele origin: germline.
Comment: The c.260+3A>G intronic variant results from an A to G substitution 3 nucleotides after coding exon 2 in the SDHAF2 gene. This nucleotide position is not well conserved in available vertebrate species. In silico splice site analysis predicts that this alteration will weaken the native splice donor site. RNA studies have demonstrated that this alteration results in a splice defect involving exons excluded from naturally occurring transcripts; the clinical impact of this abnormal splicing is unknown at this time (Ambry internal data). Based on the available evidence, the clinical significance of this variant remains unclear.

Quest Diagnostics Nichols Institute San Juan Capistrano
Classification: Uncertain significance. Last evaluated: 2025-05-22. Review status: criteria provided, single submitter. Criteria: Quest Diagnostics criteria. Collection method: clinical testing. Allele origin: unknown.
Comment: The SDHAF2 c.260+3A>G variant has not been reported in individuals with SDHAF2-related conditions in the published literature. The frequency of this variant in the general population (Genome Aggregation Database) is uninformative in the assessment of its pathogenicity. Analysis of this variant using software algorithms for the prediction of the effect of nucleotide changes on splicing yielded predictions that this variant may affect proper SDHAF2 mRNA splicing. Based on the available information, we are unable to determine the clinical significance of this variant.

Labcorp Genetics (formerly Invitae), Labcorp
Classification: Uncertain significance for Hereditary pheochromocytoma and paraganglioma. Last evaluated: 2024-11-10. Review status: criteria provided, single submitter. Criteria: Invitae Variant Classification Sherloc (09022015). Collection method: clinical testing. Allele origin: germline.
Comment: This sequence change falls in intron 2 of the SDHAF2 gene. It does not directly change the encoded amino acid sequence of the SDHAF2 protein. RNA analysis indicates that this variant induces altered splicing and may result in an absent or altered protein product. This variant is not present in population databases (gnomAD no frequency). This variant has not been reported in the literature in individuals affected with SDHAF2-related conditions. ClinVar contains an entry for this variant (Variation ID: 486408). Variants that disrupt the consensus splice site are a relatively common cause of aberrant splicing (PMID: 17576681, 9536098). Studies have shown that this variant results in skipping of exon 2 and/or skipping of exon 3, and produces a non-functional protein and/or introduces a premature termination codon (internal data). In summary, the available evidence is currently insufficient to determine the role of this variant in disease. Therefore, it has been classified as a Variant of Uncertain Significance.

All of Us Research Program, National Institutes of Health
Classification: Uncertain significance for Hereditary pheochromocytoma and paraganglioma. Last evaluated: 2024-09-23. Review status: criteria provided, single submitter. Criteria: ACMG Guidelines, 2015. Collection method: clinical testing. Allele origin: germline. Inheritance: Autosomal dominant inheritance. Observed: 10 variant alleles, 10 heterozygotes.
Comment: This variant causes an A to G nucleotide substitution at the +3 position of intron 2 of the SDHAF2 gene. Splice site prediction tools suggest that this variant may impact RNA splicing. To our knowledge, RNA studies have not been reported for this variant in the literature, however studies indicating some level of splicing impact have been reported by clinical laboratories (ClinVar: SCV000675048.6, SCV001199023.4). This variant has not been reported in individuals affected with hereditary paranganglioma-pheochromocytoma syndrome in the literature. This variant has not been identified in the general population by the Genome Aggregation Database (gnomAD). The available evidence is insufficient to determine the role of this variant in disease conclusively. Therefore, this variant is classified as a Variant of Uncertain Significance.

This study involves interpretation of variants in research participants for the purpose of population health screening. Participant phenotype was not available at the time of variant classification. Additional details can be found in publication PMID: 35346344, PMCID: PMC8962531

Baylor Genetics
Classification: Likely pathogenic for Pheochromocytoma/paraganglioma syndrome 2. Last evaluated: 2024-03-04. Review status: criteria provided, single submitter. Criteria: ACMG Guidelines, 2015. Collection method: clinical testing. Allele origin: unknown.

Color Diagnostics, LLC DBA Color Health
Classification: Uncertain significance for Hereditary pheochromocytoma and paraganglioma. Last evaluated: 2024-02-15. Review status: criteria provided, single submitter. Criteria: ACMG Guidelines, 2015. Collection method: clinical testing. Allele origin: germline.
Comment: This variant causes an A to G nucleotide substitution at the +3 position of intron 2 of the SDHAF2 gene. Splice site prediction tools suggest that this variant may impact RNA splicing. To our knowledge, RNA studies have not been reported for this variant in the literature, however studies indicating some level of splicing impact have been reported by clinical laboratories (ClinVar: SCV000675048.6, SCV001199023.4). This variant has not been reported in individuals affected with hereditary paranganglioma-pheochromocytoma syndrome in the literature. This variant has not been identified in the general population by the Genome Aggregation Database (gnomAD). The available evidence is insufficient to determine the role of this variant in disease conclusively. Therefore, this variant is classified as a Variant of Uncertain Significance.

GeneDx
Classification: Uncertain significance. Last evaluated: 2024-02-06. Review status: criteria provided, single submitter. Criteria: GeneDx Variant Classification Process June 2021. Collection method: clinical testing. Allele origin: germline. Affected: yes.
Comment: Not observed at significant frequency in large population cohorts (gnomAD); In silico analysis supports a deleterious effect on splicing; Has not been previously published as pathogenic or benign to our knowledge

Literature cited by the submitters: PubMed 17576681 (cited by Labcorp Genetics (formerly Invitae), Labcorp); PubMed 9536098 (cited by Labcorp Genetics (formerly Invitae), Labcorp).

NM_017841.4(SDHAF2):c.260+3A>G

Gene: SDHAF2 (succinate dehydrogenase complex assembly factor 2; plus strand). Cytogenetic location: 11q12.2.
Variant type: single nucleotide variant.
Coding change: c.260+3A>G on transcript NM_017841.4 (MANE Select); 3 bases into the intron after coding-DNA position 260, A replaced by G.
Molecular consequence: intron variant.
Genome position (GRCh38, 1-based): chr11:61,437,851, A>G. VCF-style: chr11-61437851-A-G. GRCh37 (hg19) VCF-style: chr11-61205323-A-G.
Identifiers: ClinVar variation 486408 (VCV000486408.23), dbSNP rs1445986287, ClinGen allele CA658658063.